The following is an entry in ClinVar:

ClinVar aggregate classification (germline): Uncertain significance (1 of 4 stars; one submission).

Allele frequency attached by ClinVar (database versions not stated): gnomAD exomes below 0.00001 and 0.00001; ExAC 0.00001; TOPMed 0.00002; gnomAD 0.00004.
gnomAD v4.1: 11 of 1,612,674 alleles (0.00068%); highest among the groups gnomAD compares: African/African-American, 0.012%; no homozygotes.

Submission:

Labcorp Genetics (formerly Invitae), Labcorp
Classification: Uncertain significance. Last evaluated: 2024-12-02. Review status: criteria provided, single submitter. Criteria: Invitae Variant Classification Sherloc (09022015). Collection method: clinical testing. Allele origin: germline.
Comment: This sequence change falls in intron 4 of the RGR gene. It does not directly change the encoded amino acid sequence of the RGR protein. It affects a nucleotide within the consensus splice site. This variant is present in population databases (rs780748158, gnomAD 0.01%). This variant has not been reported in the literature in individuals affected with RGR-related conditions. ClinVar contains an entry for this variant (Variation ID: 856777). Variants that disrupt the consensus splice site are a relatively common cause of aberrant splicing (PMID: 17576681, 9536098). Algorithms developed to predict the effect of sequence changes on RNA splicing suggest that this variant is not likely to affect RNA splicing. In summary, the available evidence is currently insufficient to determine the role of this variant in disease. Therefore, it has been classified as a Variant of Uncertain Significance.

Literature cited by the submitters: PubMed 17576681; PubMed 9536098.

NM_001012720.2(RGR):c.512+3G>A

Gene: RGR (retinal G protein coupled receptor; plus strand). Cytogenetic location: 10q23.1.
Variant type: single nucleotide variant.
Coding change: c.512+3G>A on transcript NM_001012720.2 (MANE Select); 3 bases into the intron after coding-DNA position 512, G replaced by A.
Molecular consequence: intron variant.
Genome position (GRCh38, 1-based): chr10:84,253,013, G>A. VCF-style: chr10-84253013-G-A. GRCh37 (hg19) VCF-style: chr10-86012769-G-A.
Other names: c.524+3G>A (NM_002921.4); c.512+3G>A (NM_001012722.2).
Identifiers: ClinVar variation 856777 (VCV000856777.7), dbSNP rs780748158, ClinGen allele CA5581453.
Genomic context (GRCh38, chr10:84,253,013, plus strand): 5'-ACTACGACTATGAGCCACTGGGGACATGCTGCACCCTGGACTACTCCAAGGGGGACAGGT[G>A]AGGTGGGAGGAGCAGCTTCGAGGCTCCTATCCATGGGAATCTTGGCTTTGAACTCCTATG-3'